The following is an entry in ClinVar:

NM_003024.3(ITSN1):c.2341G>C (p.Glu781Gln)

Gene: ITSN1 (intersectin 1; plus strand). Cytogenetic location: 21q22.11.
Variant type: single nucleotide variant.
Coding change: c.2341G>C on transcript NM_003024.3 (MANE Select); coding-DNA position 2341, G replaced by C.
Protein change: p.Glu781Gln; replaces glutamic acid 781 with glutamine.
Molecular consequence: missense variant.
Genome position (GRCh38, 1-based): chr21:33,810,996, G>C. VCF-style: chr21-33810996-G-C. GRCh37 (hg19) VCF-style: chr21-35183300-G-C.
Other names: c.2341G>C, p.Glu781Gln (NM_001001132.2, NM_001331008.2); c.2326G>C, p.Glu776Gln (NM_001331009.2, NM_001331010.2, NM_001331011.2); c.2215G>C, p.Glu739Gln (NM_001331012.2); short protein forms E776Q, E781Q, E739Q.
Identifiers: ClinVar variation 3572560 (VCV003572560.1).
Genomic context (GRCh38, chr21:33,810,996, plus strand): 5'-TTAATTTAGTTCTACTTAAAGCTGTGACTTTTTCCACAGGTGGATGAAAGCCAAACTGGA[G>C]AACCCGGCTGGCTTGGAGGAGAATTAAAAGGAAAGACAGGGTGGTTCCCTGCAAACTATG-3'
Protein context (NP_003015.2, residues 771-791): GEWVDESQTG[Glu781Gln]PGWLGGELKG

ClinVar aggregate classification (germline): Uncertain significance (1 of 4 stars; one submission).

Submission:

GeneDx
Classification: Uncertain significance. Last evaluated: 2024-07-01. Review status: criteria provided, single submitter. Criteria: GeneDx Variant Classification Process June 2021. Collection method: clinical testing. Allele origin: germline. Affected: yes.
Comment: Not observed at significant frequency in large population cohorts (gnomAD); In silico analysis supports that this missense variant has a deleterious effect on protein structure/function; Has not been previously published as pathogenic or benign to our knowledge